The following is an entry in ClinVar:

ClinVar aggregate classification (germline): Likely pathogenic (1 of 4 stars; one submission).

Conditions:
Polycystic kidney disease 4 (PKD4). Also called: POLYCYSTIC KIDNEY AND HEPATIC DISEASE 1; POLYCYSTIC KIDNEY DISEASE, INFANTILE, TYPE I; POLYCYSTIC KIDNEY DISEASE 4 WITH OR WITHOUT POLYCYSTIC LIVER DISEASE; PKD3; Autosomal Recessive Polycystic Kidney Disease – PKHD1. Identifiers: MedGen C4540575, MONDO:0033004, OMIM 263200.

Submission:

Myriad Genetics, Inc.
Classification: Likely pathogenic for Polycystic kidney disease 4. Last evaluated: 2022-03-29. Review status: criteria provided, single submitter. Criteria: Myriad Women's Health Autosomal Recessive and X-Linked Classification Criteria (2021). Collection method: clinical testing. Allele origin: unknown.
Comment: NM_138694.3(PKHD1):c.2998A>T(R1000*) is expected to be pathogenic in the context of autosomal recessive polycystic kidney disease, PKHD1-related. This variant is predicted to lead to an abnormal or absent protein product due to the creation of a premature termination codon in PKHD1, a gene where loss-of-function variants are known to be pathogenic. Please note: this variant was assessed in the context of healthy population screening.

NM_138694.4(PKHD1):c.2998A>T (p.Arg1000Ter)

Gene: PKHD1 (PKHD1 ciliary IPT domain containing fibrocystin/polyductin; minus strand). Cytogenetic location: 6p12.2.
Variant type: single nucleotide variant.
Coding change: c.2998A>T on transcript NM_138694.4 (MANE Select); coding-DNA position 2998, A replaced by T.
Protein change: p.Arg1000Ter; replaces arginine 1000 with a stop codon.
Molecular consequence: nonsense.
Genome position (GRCh38, 1-based): chr6:52,042,958, T>A on the plus strand (A>T on the coding strand, the complement: PKHD1 is on the minus strand). VCF-style: chr6-52042958-T-A. GRCh37 (hg19) VCF-style: chr6-51907756-T-A.
Other names: c.2998A>T, p.Arg1000Ter (NM_170724.3); short protein forms R1000*.
Identifiers: ClinVar variation 1725517 (VCV001725517.2), dbSNP rs2533044956, ClinGen allele CA364442110.